The following is an entry in ClinVar:

ClinVar aggregate classification (germline): Uncertain significance. Review status: criteria provided, multiple submitters, no conflicts (2 of 4 stars). 2 submissions from 2 submitters: Uncertain significance (2). Last evaluated 2025-08-21.

Conditions:
Inborn genetic diseases. Identifiers: MedGen C0950123, MeSH D030342.

Allele frequency attached by ClinVar (database versions not stated): gnomAD 0.00001; TOPMed 0.00001; ExAC 0.00005; 1000 Genomes Project 30x 0.00016; 1000 Genomes Project 0.00020.
gnomAD v4.1: 15 of 1,613,736 alleles (0.00093%); highest among the groups gnomAD compares: Non-Finnish European, 0.0012%; no homozygotes.

Submissions (2):

Labcorp Genetics (formerly Invitae), Labcorp
Classification: Uncertain significance. Last evaluated: 2025-08-21. Review status: criteria provided, single submitter. Criteria: Invitae Variant Classification Sherloc (09022015). Collection method: clinical testing. Allele origin: germline.
Comment: This sequence change replaces valine, which is neutral and non-polar, with isoleucine, which is neutral and non-polar, at codon 631 of the MAST1 protein (p.Val631Ile). This variant is present in population databases (rs199933031, gnomAD 0.006%). This variant has not been reported in the literature in individuals affected with MAST1-related conditions. ClinVar contains an entry for this variant (Variation ID: 2191501). An algorithm developed to predict the effect of missense changes on protein structure and function outputs the following: PolyPhen-2: "Benign". The isoleucine amino acid residue is found in multiple mammalian species, which suggests that this missense change does not adversely affect protein function. In summary, the available evidence is currently insufficient to determine the role of this variant in disease. Therefore, it has been classified as a Variant of Uncertain Significance.

Ambry Genetics
Classification: Uncertain significance for Inborn genetic diseases. Last evaluated: 2022-06-30. Review status: criteria provided, single submitter. Criteria: Ambry Variant Classification Scheme 2023. Collection method: clinical testing. Allele origin: germline.

NM_014975.3(MAST1):c.1891G>A (p.Val631Ile)

Gene: MAST1 (microtubule associated serine/threonine kinase 1; plus strand). Cytogenetic location: 19p13.13.
Variant type: single nucleotide variant.
Coding change: c.1891G>A on transcript NM_014975.3 (MANE Select); coding-DNA position 1891, G replaced by A.
Protein change: p.Val631Ile; replaces valine 631 with isoleucine.
Molecular consequence: missense variant.
Genome position (GRCh38, 1-based): chr19:12,865,803, G>A. VCF-style: chr19-12865803-G-A. GRCh37 (hg19) VCF-style: chr19-12976617-G-A.
Other names: c.1891G>A (NM_014975.2); short protein forms V631I.
Identifiers: ClinVar variation 2191501 (VCV002191501.5), dbSNP rs199933031, ClinGen allele CA9232995.